The following is an entry in ClinVar:

NM_002439.5(MSH3):c.250G>T (p.Asp84Tyr)

Gene: MSH3 (mutS homolog 3; plus strand). Cytogenetic location: 5q14.1.
Variant type: single nucleotide variant.
Coding change: c.250G>T on transcript NM_002439.5 (MANE Select); coding-DNA position 250, G replaced by T.
Protein change: p.Asp84Tyr; replaces aspartic acid 84 with tyrosine.
Molecular consequence: missense variant.
Genome position (GRCh38, 1-based): chr5:80,656,423, G>T. VCF-style: chr5-80656423-G-T. GRCh37 (hg19) VCF-style: chr5-79952242-G-T.
Other names: short protein forms D84Y.
Identifiers: ClinVar variation 1964753 (VCV001964753.5), dbSNP rs2546712118, ClinGen allele CA360266130.

ClinVar aggregate classification (germline): Uncertain significance (1 of 4 stars; one submission).

Submission:

Labcorp Genetics (formerly Invitae), Labcorp
Classification: Uncertain significance. Last evaluated: 2023-07-25. Review status: criteria provided, single submitter. Criteria: Invitae Variant Classification Sherloc (09022015). Collection method: clinical testing. Allele origin: germline.
Comment: In summary, the available evidence is currently insufficient to determine the role of this variant in disease. Therefore, it has been classified as a Variant of Uncertain Significance. An algorithm developed to predict the effect of missense changes on protein structure and function (PolyPhen-2) suggests that this variant is likely to be disruptive. ClinVar contains an entry for this variant (Variation ID: 1964753). This variant has not been reported in the literature in individuals affected with MSH3-related conditions. This variant is not present in population databases (gnomAD no frequency). This sequence change replaces aspartic acid, which is acidic and polar, with tyrosine, which is neutral and polar, at codon 84 of the MSH3 protein (p.Asp84Tyr).